The following is an entry in ClinVar:

NM_005560.6(LAMA5):c.5964G>A (p.Thr1988=)

Gene: LAMA5 (laminin subunit alpha 5; minus strand). Cytogenetic location: 20q13.33.
Variant type: single nucleotide variant.
Coding change: c.5964G>A on transcript NM_005560.6 (MANE Select); coding-DNA position 5964, G replaced by A.
Protein change: p.Thr1988=; no amino-acid change (threonine 1988 retained).
Molecular consequence: synonymous variant.
Genome position (GRCh38, 1-based): chr20:62,323,556, C>T on the plus strand (G>A on the coding strand, the complement: LAMA5 is on the minus strand). VCF-style: chr20-62323556-C-T. GRCh37 (hg19) VCF-style: chr20-60898612-C-T.
Other names: c.5964G>A (NM_005560.4).
Identifiers: ClinVar variation 2195471 (VCV002195471.5), dbSNP rs201676268, ClinGen allele CA9941950.

ClinVar aggregate classification (germline): Likely benign. Review status: criteria provided, multiple submitters, no conflicts (2 of 4 stars). 2 submissions from 2 submitters: Likely benign (2). Last evaluated 2025-09-09.

Conditions:
LAMA5-related disorder. Also called: LAMA5-related condition; LAMA5-Related Disorders.

Allele frequency attached by ClinVar (database versions not stated): gnomAD exomes 0.00006; ExAC 0.00020; ESP Exome Variant Server 0.00031; TOPMed 0.00053; gnomAD 0.00056; 1000 Genomes Project 30x 0.00156; 1000 Genomes Project 0.00160.
gnomAD v4.1: 177 of 1,597,388 alleles (0.011%); highest among the groups gnomAD compares: African/African-American, 0.17%; no homozygotes.

Submissions (2):

Labcorp Genetics (formerly Invitae), Labcorp
Classification: Likely benign. Last evaluated: 2025-09-09. Review status: criteria provided, single submitter. Criteria: Invitae Variant Classification Sherloc (09022015). Collection method: clinical testing. Allele origin: germline.

PreventionGenetics, part of Exact Sciences
Classification: Likely benign for LAMA5-related condition. Last evaluated: 2024-12-01. Review status: criteria provided, single submitter. Criteria: ACMG Guidelines, 2015. Collection method: clinical testing. Allele origin: germline.
Comment: This variant is classified as likely benign based on ACMG/AMP sequence variant interpretation guidelines (Richards et al. 2015 PMID: 25741868, with internal and published modifications).